The following is an entry in ClinVar:

NM_000180.4(GUCY2D):c.2881G>C (p.Gly961Arg)

Gene: GUCY2D (guanylate cyclase 2D, retinal; plus strand). Cytogenetic location: 17p13.1.
Variant type: single nucleotide variant.
Coding change: c.2881G>C on transcript NM_000180.4 (MANE Select); coding-DNA position 2881, G replaced by C.
Protein change: p.Gly961Arg; replaces glycine 961 with arginine.
Molecular consequence: missense variant.
Genome position (GRCh38, 1-based): chr17:8,015,439, G>C. VCF-style: chr17-8015439-G-C. GRCh37 (hg19) VCF-style: chr17-7918757-G-C.
Other names: short protein forms G961R.
Identifiers: ClinVar variation 1388994 (VCV001388994.8), dbSNP rs2151803673, ClinGen allele CA397954741.

ClinVar aggregate classification (germline): Uncertain significance (1 of 4 stars; one submission).

Conditions:
Cone-rod dystrophy 6 (CORD6). Also called: RETINAL CONE DYSTROPHY 2; Cone dystrophy progressive. Identifiers: Orphanet 1872, MedGen C1866293, MONDO:0011143, OMIM 601777.
Leber congenital amaurosis 1 (LCA1). Also called: AMAUROSIS CONGENITA OF LEBER I; Congenital absence of the rods and cones; Leber's congenital tapetoretinal degeneration; Leber's congenital tapetoretinal dysplasia; RETINAL BLINDNESS, CONGENITAL. Identifiers: Orphanet 65, MedGen C2931258, MONDO:0008764, OMIM 204000.

Submission:

Labcorp Genetics (formerly Invitae), Labcorp
Classification: Uncertain significance for Leber congenital amaurosis 1; Cone-rod dystrophy 6. Last evaluated: 2022-07-12. Review status: criteria provided, single submitter. Criteria: Invitae Variant Classification Sherloc (09022015). Collection method: clinical testing. Allele origin: germline.
Comment: This variant has not been reported in the literature in individuals affected with GUCY2D-related conditions. ClinVar contains an entry for this variant (Variation ID: 1388994). Algorithms developed to predict the effect of missense changes on protein structure and function (SIFT, PolyPhen-2, Align-GVGD) all suggest that this variant is likely to be disruptive. In summary, the available evidence is currently insufficient to determine the role of this variant in disease. Therefore, it has been classified as a Variant of Uncertain Significance. This variant is not present in population databases (gnomAD no frequency). This sequence change replaces glycine, which is neutral and non-polar, with arginine, which is basic and polar, at codon 961 of the GUCY2D protein (p.Gly961Arg).